The following is an entry in ClinVar:

ClinVar aggregate classification (germline): Uncertain significance. Review status: criteria provided, multiple submitters, no conflicts (2 of 4 stars). 2 submissions from 2 submitters: Uncertain significance (2). Last evaluated 2025-06-10.

Allele frequency attached by ClinVar (database versions not stated): gnomAD exomes 0.00001 and 0.00002; ExAC 0.00002; gnomAD 0.00011; TOPMed 0.00014; ESP Exome Variant Server 0.00015; 1000 Genomes Project 30x 0.00016; 1000 Genomes Project 0.00020.
gnomAD v4.1: 28 of 1,614,174 alleles (0.0017%); highest among the groups gnomAD compares: African/African-American, 0.036%; no homozygotes.

Submissions (2):

Labcorp Genetics (formerly Invitae), Labcorp
Classification: Uncertain significance. Last evaluated: 2025-06-10. Review status: criteria provided, single submitter. Criteria: Invitae Variant Classification Sherloc (09022015). Collection method: clinical testing. Allele origin: germline.
Comment: This sequence change replaces valine, which is neutral and non-polar, with alanine, which is neutral and non-polar, at codon 1084 of the SCN3A protein (p.Val1084Ala). This variant is present in population databases (rs377559620, gnomAD 0.02%). This variant has not been reported in the literature in individuals affected with SCN3A-related conditions. ClinVar contains an entry for this variant (Variation ID: 649661). Invitae Evidence Modeling of protein sequence and biophysical properties (such as structural, functional, and spatial information, amino acid conservation, physicochemical variation, residue mobility, and thermodynamic stability) indicates that this missense variant is not expected to disrupt SCN3A protein function with a negative predictive value of 95%. In summary, the available evidence is currently insufficient to determine the role of this variant in disease. Therefore, it has been classified as a Variant of Uncertain Significance.

Blueprint Genetics
Classification: Uncertain significance. Last evaluated: 2020-07-21. Review status: criteria provided, single submitter. Criteria: ACMG Guidelines, 2015. Collection method: clinical testing. Allele origin: germline.

NM_006922.4(SCN3A):c.3251T>C (p.Val1084Ala)

Gene: SCN3A (sodium voltage-gated channel alpha subunit 3; minus strand). Cytogenetic location: 2q24.3.
Variant type: single nucleotide variant.
Coding change: c.3251T>C on transcript NM_006922.4 (MANE Select); coding-DNA position 3251, T replaced by C.
Protein change: p.Val1084Ala; replaces valine 1084 with alanine.
Molecular consequence: missense variant.
Genome position (GRCh38, 1-based): chr2:165,127,773, A>G on the plus strand (T>C on the coding strand, the complement: SCN3A is on the minus strand). VCF-style: chr2-165127773-A-G. GRCh37 (hg19) VCF-style: chr2-165984283-A-G.
Other names: c.3104T>C, p.Val1035Ala (NM_001081676.2, NM_001081677.2); short protein forms V1035A, V1084A.
Identifiers: ClinVar variation 649661 (VCV000649661.11), dbSNP rs377559620, ClinGen allele CA1938831.